The following is an entry in ClinVar:

NM_007294.4(BRCA1):c.5053A>C (p.Thr1685Pro)

Gene: BRCA1 (BRCA1 DNA repair associated; minus strand). Cytogenetic location: 17q21.31.
Variant type: single nucleotide variant.
Coding change: c.5053A>C on transcript NM_007294.4 (MANE Select); coding-DNA position 5053, A replaced by C.
Protein change: p.Thr1685Pro; replaces threonine 1685 with proline.
Molecular consequence: missense variant. On other transcripts: non-coding transcript variant (1).
Genome position (GRCh38, 1-based): chr17:43,067,629, T>G on the plus strand (A>C on the coding strand, the complement: BRCA1 is on the minus strand). VCF-style: chr17-43067629-T-G. GRCh37 (hg19) VCF-style: chr17-41219646-T-G.
Other names: c.4840A>C, p.Thr1614Pro (NM_001407571.1, NM_001407898.1, NM_001407899.1 and 12 more transcripts); c.5119A>C, p.Thr1707Pro (NM_001407581.1, NM_001407582.1); c.5116A>C, p.Thr1706Pro (NM_001407583.1, NM_001407585.1, NM_001407587.1 and 1 more transcripts); c.5113A>C, p.Thr1705Pro (NM_001407590.1, NM_001407591.1); c.5053A>C, p.Thr1685Pro (NM_001407593.1, NM_001407594.1, NM_001407596.1 and 8 more transcripts); c.5050A>C, p.Thr1684Pro (NM_001407610.1, NM_001407611.1, NM_001407612.1 and 17 more transcripts); c.5047A>C, p.Thr1683Pro (NM_001407627.1, NM_001407628.1, NM_001407629.1 and 14 more transcripts); c.5038A>C, p.Thr1680Pro (NM_001407647.1); and 70 more; short protein forms T1638P, T1706P, T581P, T1685P, T1389P, T1556P, T1558P, T1596P.
Identifiers: ClinVar variation 864883 (VCV000864883.3), dbSNP rs80356890, ClinGen allele CA10591413.

Conditions:
Breast-ovarian cancer, familial, susceptibility to, 1 (BROVCA1). Also called: BRCA1 Hereditary Breast and Ovarian Cancer; OVARIAN CANCER, SUSCEPTIBILITY TO. Identifiers: Orphanet 145, MedGen C2676676, MONDO:0011450, OMIM 604370. Disease mechanism: loss of function.

Submission:

Brotman Baty Institute, University of Washington
No classification provided (evidence only). Condition: Breast-ovarian cancer, familial 1. Review status: no classification provided. Collection method: in vitro. Allele origin: not applicable. Functional consequence: functionally_abnormal.
ClinVar note: "not provided" was previously submitted as the classification for the variant. However, the classification appeared to be based only on an observation of functional data so it was converted to no classification on 2025-07-30.